The following is an entry in ClinVar:

NM_033028.5(BBS4):c.775T>A (p.Tyr259Asn)

Gene: BBS4 (Bardet-Biedl syndrome 4; plus strand). Cytogenetic location: 15q24.1.
Variant type: single nucleotide variant.
Coding change: c.775T>A on transcript NM_033028.5 (MANE Select); coding-DNA position 775, T replaced by A.
Protein change: p.Tyr259Asn; replaces tyrosine 259 with asparagine.
Molecular consequence: missense variant. On other transcripts: non-coding transcript variant (2).
Genome position (GRCh38, 1-based): chr15:72,731,368, T>A. VCF-style: chr15-72731368-T-A. GRCh37 (hg19) VCF-style: chr15-73023709-T-A.
Other names: c.775T>A (NM_033028.4); c.259T>A, p.Tyr87Asn (NM_001252678.2); c.706T>A, p.Tyr236Asn (NM_001320665.2); short protein forms Y236N, Y259N, Y87N.
Identifiers: ClinVar variation 2196503 (VCV002196503.3), dbSNP rs144043892, ClinGen allele CA7646764.

ClinVar aggregate classification (germline): Uncertain significance. Review status: criteria provided, multiple submitters, no conflicts (2 of 4 stars). 3 submissions from 3 submitters: Uncertain significance (2). 1 of the submissions does not count toward it. Last evaluated 2024-02-05.

Conditions:
BBS4-related disorder. Also called: BBS4-related condition.
Bardet-Biedl syndrome 4 (BBS4). Identifiers: Orphanet 110, MedGen C2936864, MONDO:0014433, OMIM 615982.
Bardet-Biedl syndrome (BBS). Identifiers: Orphanet 110, MedGen C0752166, MONDO:0015229.

Allele frequency attached by ClinVar (database versions not stated): gnomAD 0.00001; gnomAD exomes 0.00001; ExAC 0.00002; TOPMed 0.00003; ESP Exome Variant Server 0.00008.
gnomAD v4.1: 6 of 1,614,066 alleles (0.00037%); highest among the groups gnomAD compares: Non-Finnish European, 0.00051%; no homozygotes.

Submissions (3):

Fulgent Genetics
Classification: Uncertain significance for Bardet-Biedl syndrome 4. Last evaluated: 2024-02-05. Review status: criteria provided, single submitter. Criteria: ACMG Guidelines, 2015. Collection method: clinical testing. Allele origin: germline.

Labcorp Genetics (formerly Invitae), Labcorp
Classification: Uncertain significance for Bardet-Biedl syndrome. Last evaluated: 2022-04-16. Review status: criteria provided, single submitter. Criteria: Invitae Variant Classification Sherloc (09022015). Collection method: clinical testing. Allele origin: germline.
Comment: This sequence change replaces tyrosine, which is neutral and polar, with asparagine, which is neutral and polar, at codon 259 of the BBS4 protein (p.Tyr259Asn). This variant is present in population databases (rs144043892, gnomAD 0.003%). This variant has not been reported in the literature in individuals affected with BBS4-related conditions. Algorithms developed to predict the effect of missense changes on protein structure and function are either unavailable or do not agree on the potential impact of this missense change (SIFT: "Deleterious"; PolyPhen-2: "Probably Damaging"; Align-GVGD: "Class C0"). In summary, the available evidence is currently insufficient to determine the role of this variant in disease. Therefore, it has been classified as a Variant of Uncertain Significance.

PreventionGenetics, part of Exact Sciences
Classification: Uncertain significance for BBS4-related condition. Last evaluated: 2024-05-31. Review status: no assertion criteria provided. Collection method: clinical testing. Allele origin: germline. Not counted in ClinVar's aggregate classification.
Comment: The BBS4 c.775T>A variant is predicted to result in the amino acid substitution p.Tyr259Asn. To our knowledge, this variant has not been reported in the literature. This variant is reported in 0.0039% of alleles in individuals of European (Non-Finnish) descent in gnomAD. At this time, the clinical significance of this variant is uncertain due to the absence of conclusive functional and genetic evidence.